The following is an entry in ClinVar:

ClinVar aggregate classification (germline): Uncertain significance. Review status: criteria provided, multiple submitters, no conflicts (2 of 4 stars). 2 submissions from 2 submitters: Uncertain significance (2). Last evaluated 2025-03-27.

gnomAD v4.1: 1 of 1,613,886 alleles (0.000062%); highest among the groups gnomAD compares: Non-Finnish European, 0.000085%; no homozygotes.

Submissions (2):

Ambry Genetics
Classification: Uncertain significance. Last evaluated: 2025-03-27. Review status: criteria provided, single submitter. Criteria: Ambry Variant Classification Scheme 2023. Collection method: clinical testing. Allele origin: germline.
Comment: The c.252+2C>G intronic variant results from a C to G substitution two nucleotides after coding exon 1 in the RNF43 gene. This nucleotide position is poorly conserved in available vertebrate species. In silico splice site analysis predicts that this alteration will weaken the native splice donor site. The evidence for this gene-disease relationship is limited; therefore, the clinical significance of this alteration is unclear.

Labcorp Genetics (formerly Invitae), Labcorp
Classification: Uncertain significance. Last evaluated: 2024-06-26. Review status: criteria provided, single submitter. Criteria: Invitae Variant Classification Sherloc (09022015). Collection method: clinical testing. Allele origin: germline.
Comment: This sequence change falls in intron 2 of the RNF43 gene. It does not directly change the encoded amino acid sequence of the RNF43 protein. It affects a nucleotide within the consensus splice site. This variant is present in population databases (rs775059555, gnomAD 0.0009%). This variant has not been reported in the literature in individuals affected with RNF43-related conditions. Variants that disrupt the consensus splice site are a relatively common cause of aberrant splicing (PMID: 17576681, 9536098). Algorithms developed to predict the effect of sequence changes on RNA splicing suggest that this variant may disrupt the consensus splice site. In summary, the available evidence is currently insufficient to determine the role of this variant in disease. Therefore, it has been classified as a Variant of Uncertain Significance.

Literature cited by the submitters: PubMed 17576681 (cited by Labcorp Genetics (formerly Invitae), Labcorp); PubMed 9536098 (cited by Labcorp Genetics (formerly Invitae), Labcorp).

NM_017763.6(RNF43):c.252+2C>G

Gene: RNF43 (ring finger protein 43; minus strand). Cytogenetic location: 17q22.
Variant type: single nucleotide variant.
Coding change: c.252+2C>G on transcript NM_017763.6 (MANE Select); the canonical splice donor site of the intron after coding-DNA position 252, C replaced by G.
Molecular consequence: splice donor variant. On other transcripts: intron variant (1).
Genome position (GRCh38, 1-based): chr17:58,415,324, G>C on the plus strand (C>G on the coding strand, the complement: RNF43 is on the minus strand). VCF-style: chr17-58415324-G-C. GRCh37 (hg19) VCF-style: chr17-56492685-G-C.
Other names: c.252+2C>G (NM_001438822.1, NM_001305544.3, NM_001438820.1 and 1 more transcripts); c.-130+1693C>G (NM_001437987.1).
Identifiers: ClinVar variation 3669600 (VCV003669600.3).
Genomic context (GRCh38, chr17:58,415,324, plus strand): 5'-ACAAAAGAAGAAAGACATATTTCAAACAGATGGAAAGTGAAATATAATAAAGTTATACTT[G>C]CCTGCATTAATTTTCCTTCTGCTGGAGTTATTTCAGCAACACCAGCAAACACACCTTCCA-3'